The following is an entry in ClinVar:

NM_005708.5(GPC6):c.*2031A>C

Gene: GPC6 (glypican 6; plus strand). Cytogenetic location: 13q32.1.
Variant type: single nucleotide variant.
Coding change: c.*2031A>C on transcript NM_005708.5 (MANE Select); 2031 bases downstream of the stop codon, A replaced by C.
Molecular consequence: 3 prime UTR variant.
Genome position (GRCh38, 1-based): chr13:94,405,248, A>C. VCF-style: chr13-94405248-A-C. GRCh37 (hg19) VCF-style: chr13-95057502-A-C.
Identifiers: ClinVar variation 312589 (VCV000312589.6), dbSNP rs45618731, ClinGen allele CA10634581.

ClinVar aggregate classification (germline): Benign. Review status: criteria provided, multiple submitters, no conflicts (2 of 4 stars). 2 submissions from 2 submitters: Benign (2). Last evaluated 2018-01-12.

Conditions:
Autosomal recessive omodysplasia (OMOD1). Also called: MICROMELIC DYSPLASIA, CONGENITAL, WITH DISLOCATION OF RADIUS. Identifiers: Orphanet 2733, Orphanet 93329, MedGen C1850318, MONDO:0009779, OMIM 258315.

Allele frequency attached by ClinVar (database versions not stated): gnomAD 0.10401 and 0.11756; TOPMed 0.11435; 1000 Genomes Project 30x 0.21221; 1000 Genomes Project 0.22224.

Submissions (2):

Illumina Laboratory Services, Illumina
Classification: Benign for Autosomal recessive omodysplasia. Last evaluated: 2018-01-12. Review status: criteria provided, single submitter. Criteria: ICSL Variant Classification Criteria 13 December 2019. Collection method: clinical testing. Allele origin: germline.
Comment: This variant was observed in the ICSL laboratory as part of a predisposition screen in an ostensibly healthy population. It had not been previously curated by ICSL or reported in the Human Gene Mutation Database (HGMD: prior to June 1st, 2018), and was therefore a candidate for classification through an automated scoring system. Utilizing variant allele frequency, disease prevalence and penetrance estimates, and inheritance mode, an automated score was calculated to assess if this variant is too frequent to cause the disease. Based on the score and internal cut-off values, a variant classified as benign is not then subjected to further curation. The score for this variant resulted in a classification of benign for this disease.

Breakthrough Genomics
Classification: Benign. Review status: criteria provided, single submitter. Criteria: ACMG Guidelines, 2015. Collection method: not provided. Allele origin: germline. Inheritance: Autosomal recessive inheritance. Affected: yes.